The following is an entry in ClinVar:

ClinVar aggregate classification (germline): Likely pathogenic. Review status: criteria provided, multiple submitters, no conflicts (2 of 4 stars). 2 submissions from 2 submitters: Likely pathogenic (2). Last evaluated 2023-10-19.

Conditions:
Mitochondrial complex I deficiency, nuclear type 9. Also called: Mitochondrial complex 1 deficiency, nuclear type 9. Identifiers: MedGen C4748767, MONDO:0032615, OMIM 618232.

Allele frequency attached by ClinVar (database versions not stated): gnomAD exomes below 0.00001.
gnomAD v4.1: 3 of 1,614,236 alleles (0.00019%); highest among the groups gnomAD compares: Non-Finnish European, 0.00017%; no homozygotes.

Submissions (2):

Baylor Genetics
Classification: Likely pathogenic for Mitochondrial complex I deficiency, nuclear type 9. Last evaluated: 2023-10-19. Review status: criteria provided, single submitter. Criteria: ACMG Guidelines, 2015. Collection method: clinical testing. Allele origin: unknown.

Labcorp Genetics (formerly Invitae), Labcorp
Classification: Likely pathogenic. Last evaluated: 2023-09-22. Review status: criteria provided, single submitter. Criteria: Invitae Variant Classification Sherloc (09022015). Collection method: clinical testing. Allele origin: germline.
Comment: This sequence change affects an acceptor splice site in intron 2 of the NDUFS6 gene. It is expected to disrupt RNA splicing. Variants that disrupt the donor or acceptor splice site typically lead to a loss of protein function (PMID: 16199547), and loss-of-function variants in NDUFS6 are known to be pathogenic (PMID: 15372108). This variant is not present in population databases (gnomAD no frequency). In summary, the currently available evidence indicates that the variant is pathogenic, but additional data are needed to prove that conclusively. Therefore, this variant has been classified as Likely Pathogenic. Algorithms developed to predict the effect of sequence changes on RNA splicing suggest that this variant may disrupt the consensus splice site. This variant has not been reported in the literature in individuals affected with NDUFS6-related conditions.

Literature cited by the submitters: PubMed 16199547 (cited by Labcorp Genetics (formerly Invitae), Labcorp); PubMed 15372108 (cited by Labcorp Genetics (formerly Invitae), Labcorp).

NM_004553.6(NDUFS6):c.187-1G>C

Gene: NDUFS6 (NADH:ubiquinone oxidoreductase subunit S6; plus strand). Cytogenetic location: 5p15.33.
Variant type: single nucleotide variant.
Coding change: c.187-1G>C on transcript NM_004553.6 (MANE Select); the canonical splice acceptor site of the intron before coding-DNA position 187, G replaced by C.
Molecular consequence: splice acceptor variant.
Genome position (GRCh38, 1-based): chr5:1,814,338, G>C. VCF-style: chr5-1814338-G-C. GRCh37 (hg19) VCF-style: chr5-1814452-G-C.
Identifiers: ClinVar variation 2677000 (VCV002677000.4), dbSNP rs2477240280, ClinGen allele CA359088987.